The following is an entry in ClinVar:

ClinVar aggregate classification (germline): Uncertain significance (1 of 4 stars; one submission).

Conditions:
Inborn genetic diseases. Identifiers: MedGen C0950123, MeSH D030342.

Allele frequency attached by ClinVar (database versions not stated): TOPMed below 0.00001; gnomAD 0.00001; ExAC 0.00003; gnomAD exomes 0.00004.

Submission:

Ambry Genetics
Classification: Uncertain significance for Inborn genetic diseases. Last evaluated: 2017-02-10. Review status: criteria provided, single submitter. Criteria: Ambry Variant Classification Scheme 2023. Collection method: clinical testing. Allele origin: germline.
Comment: The p.T42R variant (also known as c.125C>G), located in coding exon 1 of the PNKP gene, results from a C to G substitution at nucleotide position 125. The threonine at codon 42 is replaced by arginine, an amino acid with similar properties. This amino acid position is well conserved in available vertebrate species. In addition, this alteration is predicted to be tolerated by in silico analysis. Since supporting evidence is limited at this time, the clinical significance of this variant remains unclear.

NM_007254.4(PNKP):c.125C>G (p.Thr42Arg)

Gene: PNKP (polynucleotide kinase 3'-phosphatase; minus strand). Cytogenetic location: 19q13.33.
Variant type: single nucleotide variant.
Coding change: c.125C>G on transcript NM_007254.4 (MANE Select); coding-DNA position 125, C replaced by G.
Protein change: p.Thr42Arg; replaces threonine 42 with arginine.
Molecular consequence: missense variant.
Genome position (GRCh38, 1-based): chr19:49,867,080, G>C on the plus strand (C>G on the coding strand, the complement: PNKP is on the minus strand). VCF-style: chr19-49867080-G-C. GRCh37 (hg19) VCF-style: chr19-50370337-G-C.
Other names: short protein forms T42R.
Identifiers: ClinVar variation 588782 (VCV000588782.5), dbSNP rs750026030, ClinGen allele CA9587076.